The following is an entry in ClinVar:

ClinVar aggregate classification (germline): Pathogenic/Likely pathogenic. Review status: criteria provided, multiple submitters, no conflicts (2 of 4 stars). 2 submissions from 2 submitters: Pathogenic (1); Likely pathogenic (1). Last evaluated 2019-07-01.

Conditions:
DICER1-related tumor predisposition. Also called: DICER1-related pleuropulmonary blastoma cancer predisposition syndrome; DICER1 syndrome. Identifiers: Orphanet 284343, MedGen C3839822, MONDO:0100216.
Hereditary cancer-predisposing syndrome. Also called: Tumor predisposition; Hereditary neoplastic syndrome; Neoplastic Syndromes, Hereditary; Hereditary Cancer Syndrome. Identifiers: Orphanet 140162, MedGen C0027672, MeSH D009386, MONDO:0015356.

Submissions (2):

Foulkes Cancer Genetics LDI, Lady Davis Institute for Medical Research
Classification: Pathogenic for Pleuropulmonary blastoma. Last evaluated: 2019-07-01. Review status: criteria provided, single submitter. Criteria: ACMG Guidelines, 2015. Collection method: curation. Allele origin: germline. Affected: yes. Observed: 1 variant allele.
Comment: ACMG criteria met: PVS1, PM2, PP4

Department of Pediatric Oncology,  Hematology and Clinical Immunology, University Clinics Duesseldorf
Classification: Likely pathogenic for Hereditary cancer-predisposing syndrome. Review status: criteria provided, single submitter. Criteria: ACMG Guidelines, 2015. Collection method: research. Allele origin: paternal. Affected: yes. Observed: 1 heterozygote.

Literature cited by the submitters: PubMed 27896549 (cited by Foulkes Cancer Genetics LDI, Lady Davis Institute for Medical Research).

NM_177438.3(DICER1):c.3405dup (p.Gly1136fs)

Gene: DICER1 (dicer 1, ribonuclease III; minus strand). Cytogenetic location: 14q32.13.
Variant type: Duplication.
Coding change: c.3405dup on transcript NM_177438.3 (MANE Select); coding-DNA position 3405, one base duplicated (A; older notation c.3405dupA).
Protein change: p.Gly1136fs; shifts the reading frame from glycine 1136.
Molecular consequence: frameshift variant.
Genome position (GRCh38, 1-based): chr14:95,103,991, T duplicated on the plus strand (A on the coding strand, the reverse complement: DICER1 is on the minus strand); the first of 2 consecutive T bases (chr14:95,103,991-95,103,992); duplicating either gives the same sequence. VCF-style (leftmost placement, unchanged base first): chr14-95103990-C-CT. GRCh37 (hg19) VCF-style: chr14-95570327-C-CT.
Other names: c.3405dup, p.Gly1136fs (NM_001195573.1, NM_001271282.3, NM_001291628.2 and 1 more transcripts); short protein forms G1136fs.
Identifiers: ClinVar variation 932982 (VCV000932982.4), dbSNP rs1891173247, ClinGen allele CA1139663718.
Genomic context (GRCh38, chr14:95,103,990, plus strand): 5'-ACGTTCTGCAGTTCACAGACATTTGGTCATGATTTTCTAGAGAGGAGGTTCTATTAGCAC[C>CT]TTGATGTGCAGCATTTTCAGGGACAATTGTGCTGTGCTTACAGTAATTATCATTTTCAGC-3'